The following is an entry in ClinVar:

ClinVar aggregate classification (germline): Uncertain significance (1 of 4 stars; one submission).

Conditions:
Hereditary cancer-predisposing syndrome. Also called: Tumor predisposition; Hereditary neoplastic syndrome; Hereditary Cancer Syndrome; Neoplastic Syndromes, Hereditary. Identifiers: Orphanet 140162, MedGen C0027672, MeSH D009386, MONDO:0015356.

Allele frequency attached by ClinVar (database versions not stated): gnomAD 0.00001.
gnomAD v4.1: 3 of 1,565,766 alleles (0.00019%); highest among the groups gnomAD compares: African/African-American, 0.0014%; no homozygotes.

Submission:

Ambry Genetics
Classification: Uncertain significance for Hereditary cancer-predisposing syndrome. Last evaluated: 2023-11-11. Review status: criteria provided, single submitter. Criteria: Ambry Variant Classification Scheme 2023. Collection method: clinical testing. Allele origin: germline.
Comment: The p.G22R variant (also known as c.64G>A), located in coding exon 1 of the ALK gene, results from a G to A substitution at nucleotide position 64. The glycine at codon 22 is replaced by arginine, an amino acid with dissimilar properties. This amino acid position is conserved. In addition, this alteration is predicted to be tolerated by in silico analysis. Since supporting evidence is limited at this time, the clinical significance of this alteration remains unclear.

NM_004304.5(ALK):c.64G>A (p.Gly22Arg)

Gene: ALK (ALK receptor tyrosine kinase; minus strand). Cytogenetic location: 2p23.1.
Variant type: single nucleotide variant.
Coding change: c.64G>A on transcript NM_004304.5 (MANE Select); coding-DNA position 64, G replaced by A.
Protein change: p.Gly22Arg; replaces glycine 22 with arginine.
Molecular consequence: missense variant.
Genome position (GRCh38, 1-based): chr2:29,920,596, C>T on the plus strand (G>A on the coding strand, the complement: ALK is on the minus strand). VCF-style: chr2-29920596-C-T. GRCh37 (hg19) VCF-style: chr2-30143462-C-T.
Other names: short protein forms G22R.
Identifiers: ClinVar variation 3223922 (VCV003223922.1), dbSNP rs1667970184, ClinGen allele CA346590761.